The following is an entry in ClinVar:

ClinVar aggregate classification (germline): Likely benign (1 of 4 stars; one submission).

Conditions:
PLXNA3-related disorder. Also called: PLXNA3-related condition.

Submission:

PreventionGenetics, part of Exact Sciences
Classification: Likely benign for PLXNA3-related condition. Last evaluated: 2025-05-29. Review status: criteria provided, single submitter. Criteria: ACMG Guidelines, 2015. Collection method: clinical testing. Allele origin: germline.
Comment: This variant is classified as likely benign based on ACMG/AMP sequence variant interpretation guidelines (Richards et al. 2015 PMID: 25741868, with internal and published modifications).

NM_017514.5(PLXNA3):c.4131C>T (p.Asp1377=)

Gene: PLXNA3 (plexin A3; plus strand). Cytogenetic location: Xq28.
Variant type: single nucleotide variant.
Coding change: c.4131C>T on transcript NM_017514.5 (MANE Select); coding-DNA position 4131, C replaced by T.
Protein change: p.Asp1377=; no amino-acid change (aspartic acid 1377 retained).
Molecular consequence: synonymous variant.
Genome position (GRCh38, 1-based): chrX:154,468,470, C>T. VCF-style: chrX-154468470-C-T. GRCh37 (hg19) VCF-style: chrX-153696813-C-T.
Identifiers: ClinVar variation 4997357 (VCV004997357.1).